The following is an entry in ClinVar:

NM_000228.3(LAMB3):c.1208A>G (p.Glu403Gly)

Gene: LAMB3 (laminin subunit beta 3; minus strand). Cytogenetic location: 1q32.2.
Variant type: single nucleotide variant.
Coding change: c.1208A>G on transcript NM_000228.3 (MANE Select); coding-DNA position 1208, A replaced by G.
Protein change: p.Glu403Gly; replaces glutamic acid 403 with glycine.
Molecular consequence: missense variant.
Genome position (GRCh38, 1-based): chr1:209,628,115, T>C on the plus strand (A>G on the coding strand, the complement: LAMB3 is on the minus strand). VCF-style: chr1-209628115-T-C. GRCh37 (hg19) VCF-style: chr1-209801460-T-C.
Other names: c.1208A>G, p.Glu403Gly (NM_001017402.2, NM_001127641.1); short protein forms E403G.
Identifiers: ClinVar variation 1416494 (VCV001416494.6), dbSNP rs2102425858, ClinGen allele CA344591729.
Genomic context (GRCh38, chr1:209,628,115, plus strand): 5'-GCGTAGGTGAGTCCAGTGAAGCCCGGCTTGCATAGGTCACAGCGCTCTCCCTGCACATGC[T>C]CCTTGCACACACACTGCCCGGTCACTGGGTCACAGGGAGCCCCTGGCACTGCCCCATCCG-3'
Protein context (NP_000219.2, residues 393-413): DPVTGQCVCK[Glu403Gly]HVQGERCDLC

ClinVar aggregate classification (germline): Uncertain significance (1 of 4 stars; one submission).

Submission:

Labcorp Genetics (formerly Invitae), Labcorp
Classification: Uncertain significance. Last evaluated: 2021-09-15. Review status: criteria provided, single submitter. Criteria: Invitae Variant Classification Sherloc (09022015). Collection method: clinical testing. Allele origin: germline.
Comment: In summary, the available evidence is currently insufficient to determine the role of this variant in disease. Therefore, it has been classified as a Variant of Uncertain Significance. Algorithms developed to predict the effect of missense changes on protein structure and function are either unavailable or do not agree on the potential impact of this missense change (SIFT: "Deleterious"; PolyPhen-2: "Benign"; Align-GVGD: "Class C0"). This variant has not been reported in the literature in individuals affected with LAMB3-related conditions. This variant is not present in population databases (ExAC no frequency). This sequence change replaces glutamic acid with glycine at codon 403 of the LAMB3 protein (p.Glu403Gly). The glutamic acid residue is highly conserved and there is a moderate physicochemical difference between glutamic acid and glycine.